The following is an entry in ClinVar:

ClinVar aggregate classification (germline): Uncertain significance (1 of 4 stars; one submission).

Conditions:
Microcephaly, normal intelligence and immunodeficiency (NBS). Also called: BERLIN BREAKAGE SYNDROME; Immunodeficiency, microcephaly with normal intelligence; Ataxia telangiectasia variant V1; Nijmegen breakage syndrome; Microcephaly with normal intelligence immunodeficiency and lymphoreticular malignancies; Nonsyndromal microcephaly autosomal recessive with normal intelligence. Identifiers: Orphanet 647, MedGen C0398791, MONDO:0009623, OMIM 251260.

Submission:

Labcorp Genetics (formerly Invitae), Labcorp
Classification: Uncertain significance for Microcephaly, normal intelligence and immunodeficiency. Last evaluated: 2018-01-29. Review status: criteria provided, single submitter. Criteria: Invitae Variant Classification Sherloc (09022015). Collection method: clinical testing. Allele origin: germline.
Comment: In summary, the available evidence is currently insufficient to determine the role of this variant in disease. Therefore, it has been classified as a Variant of Uncertain Significance. Algorithms developed to predict the effect of missense changes on protein structure and function (SIFT, PolyPhen-2, Align-GVGD) all suggest that this variant is likely to be tolerated, but these predictions have not been confirmed by published functional studies and their clinical significance is uncertain. This variant has not been reported in the literature in individuals with NBN-related disease. This variant is not present in population databases (ExAC no frequency). This sequence change replaces glutamine with arginine at codon 450 of the NBN protein (p.Gln450Arg). The glutamine residue is moderately conserved and there is a small physicochemical difference between glutamine and arginine.

NM_002485.5(NBN):c.1349A>G (p.Gln450Arg)

Gene: NBN (nibrin; minus strand). Cytogenetic location: 8q21.3.
Variant type: single nucleotide variant.
Coding change: c.1349A>G on transcript NM_002485.5 (MANE Select); coding-DNA position 1349, A replaced by G.
Protein change: p.Gln450Arg; replaces glutamine 450 with arginine.
Molecular consequence: missense variant.
Genome position (GRCh38, 1-based): chr8:89,955,331, T>C on the plus strand (A>G on the coding strand, the complement: NBN is on the minus strand). VCF-style: chr8-89955331-T-C. GRCh37 (hg19) VCF-style: chr8-90967559-T-C.
Other names: c.1103A>G, p.Gln368Arg (NM_001024688.3); short protein forms Q450R, Q368R.
Identifiers: ClinVar variation 572349 (VCV000572349.8), dbSNP rs776210901, ClinGen allele CA371656054.